The following is an entry in ClinVar:

ClinVar aggregate classification (germline): Uncertain significance (1 of 4 stars; one submission).

Submission:

Labcorp Genetics (formerly Invitae), Labcorp
Classification: Uncertain significance. Last evaluated: 2024-03-01. Review status: criteria provided, single submitter. Criteria: Invitae Variant Classification Sherloc (09022015). Collection method: clinical testing. Allele origin: germline.
Comment: This sequence change falls in intron 18 of the ERCC2 gene. It does not directly change the encoded amino acid sequence of the ERCC2 protein. It affects a nucleotide within the consensus splice site. This variant is present in population databases (no rsID available, gnomAD 0.003%). This variant has not been reported in the literature in individuals affected with ERCC2-related conditions. Variants that disrupt the consensus splice site are a relatively common cause of aberrant splicing (PMID: 17576681, 9536098). Algorithms developed to predict the effect of sequence changes on RNA splicing suggest that this variant may disrupt the consensus splice site. In summary, the available evidence is currently insufficient to determine the role of this variant in disease. Therefore, it has been classified as a Variant of Uncertain Significance.

Literature cited by the submitters: PubMed 17576681; PubMed 9536098.

NM_000400.4(ERCC2):c.1758+5del

Gene: ERCC2 (ERCC excision repair 2, TFIIH core complex helicase subunit; minus strand). Cytogenetic location: 19q13.32.
Variant type: Deletion.
Coding change: c.1758+5del on transcript NM_000400.4 (MANE Select); 5 bases into the intron after coding-DNA position 1758, one base deleted (G; older notation c.1758+5delG).
Molecular consequence: intron variant.
Genome position (GRCh38, 1-based): chr19:45,353,237, C deleted on the plus strand (G on the coding strand, the reverse complement: ERCC2 is on the minus strand); the first of 3 consecutive C bases (chr19:45,353,237-45,353,239); deleting any one gives the same sequence. VCF-style (leftmost placement, unchanged base first): chr19-45353236-AC-A. GRCh37 (hg19) VCF-style: chr19-45856494-AC-A.
Identifiers: ClinVar variation 3715940 (VCV003715940.2).